The following is an entry in ClinVar:

ClinVar aggregate classification (germline): Uncertain significance (1 of 4 stars; one submission).

gnomAD v4.1: 7 of 1,614,080 alleles (0.00043%); highest among the groups gnomAD compares: Admixed American, 0.0067%; no homozygotes.

Submission:

Labcorp Genetics (formerly Invitae), Labcorp
Classification: Uncertain significance. Last evaluated: 2025-06-12. Review status: criteria provided, single submitter. Criteria: Invitae Variant Classification Sherloc (09022015). Collection method: clinical testing. Allele origin: germline.
Comment: This sequence change replaces glutamic acid, which is acidic and polar, with lysine, which is basic and polar, at codon 553 of the MCM5 protein (p.Glu553Lys). This variant is present in population databases (no rsID available, gnomAD 0.006%). This variant has not been reported in the literature in individuals affected with MCM5-related conditions. Invitae Evidence Modeling of protein sequence and biophysical properties (such as structural, functional, and spatial information, amino acid conservation, physicochemical variation, residue mobility, and thermodynamic stability) has been performed for this missense variant. However, the output from this modeling did not meet the statistical confidence thresholds required to predict the impact of this variant on MCM5 protein function. In summary, the available evidence is currently insufficient to determine the role of this variant in disease. Therefore, it has been classified as a Variant of Uncertain Significance.

NM_006739.4(MCM5):c.1657G>A (p.Glu553Lys)

Gene: MCM5 (minichromosome maintenance complex component 5; plus strand). Cytogenetic location: 22q12.3.
Variant type: single nucleotide variant.
Coding change: c.1657G>A on transcript NM_006739.4 (MANE Select); coding-DNA position 1657, G replaced by A.
Protein change: p.Glu553Lys; replaces glutamic acid 553 with lysine.
Molecular consequence: missense variant.
Genome position (GRCh38, 1-based): chr22:35,417,810, G>A. VCF-style: chr22-35417810-G-A. GRCh37 (hg19) VCF-style: chr22-35813803-G-A.
Other names: short protein forms E553K.
Identifiers: ClinVar variation 4701839 (VCV004701839.1).